The following is an entry in ClinVar:

NM_001122955.4(BSCL2):c.39G>A (p.Gly13=)

Genes: BSCL2 (BSCL2 lipid droplet biogenesis associated, seipin; minus strand), GNG3 (G protein subunit gamma 3; plus strand), HNRNPUL2-BSCL2 (HNRNPUL2-BSCL2 readthrough (NMD candidate); minus strand). Cytogenetic location: 11q12.3.
Variant type: single nucleotide variant.
Coding change: c.39G>A on transcript NM_001122955.4 (MANE Select); coding-DNA position 39, G replaced by A.
Protein change: p.Gly13=; no amino-acid change (glycine 13 retained).
Molecular consequence: synonymous variant. On other transcripts: non-coding transcript variant (1).
Genome position (GRCh38, 1-based): chr11:62,707,157, C>T on the plus strand (G>A on the coding strand, the complement: BSCL2 is on the minus strand). VCF-style: chr11-62707157-C-T. GRCh37 (hg19) VCF-style: chr11-62474629-C-T.
Other names: c.39G>A, p.Gly13= (NM_001386027.1, NM_001386028.1); c.-1060G>A (NM_032667.6).
Identifiers: ClinVar variation 2672469 (VCV002672469.23), dbSNP rs972174728, ClinGen allele CA223643479.

ClinVar aggregate classification (germline): Conflicting classifications of pathogenicity. Review status: criteria provided, conflicting classifications (1 of 4 stars). 3 submissions from 3 submitters: Uncertain significance (1); Likely benign (2). Last evaluated 2026-03-30.

Allele frequency attached by ClinVar (database versions not stated): gnomAD 0.00002; gnomAD exomes 0.00002; TOPMed 0.00002.
gnomAD v4.1: 32 of 1,554,498 alleles (0.0021%); highest among the groups gnomAD compares: Non-Finnish European, 0.0027%; no homozygotes.

Submissions (3):

Women's Health and Genetics/Laboratory Corporation of America, LabCorp
Classification: Uncertain significance. Last evaluated: 2026-03-30. Review status: criteria provided, single submitter. Criteria: LabCorp Variant Classification Summary - May 2015. Collection method: clinical testing. Allele origin: germline.
Comment: Variant summary: BSCL2 c.-1060G>A is located in the untranscribed region upstream of the BSCL2 gene region. Consensus agreement among computation tools predict no significant impact on normal splicing. However, these predictions have yet to be confirmed by functional studies. The variant allele was found at a frequency of 1.9e-05 in 161878 control chromosomes. The available data on variant occurrences in the general population are insufficient to allow any conclusion about variant significance. To our knowledge, no occurrence of c.-1060G>A in individuals affected with BSCL2-related conditions and no experimental evidence demonstrating its impact on protein function have been reported. ClinVar contains an entry for this variant (Variation ID: 2672469). Based on the evidence outlined above, the variant was classified as uncertain significance.

CeGaT Center for Human Genetics Tuebingen
Classification: Likely benign. Last evaluated: 2023-11-01. Review status: criteria provided, single submitter. Criteria: CeGaT Center For Human Genetics Tuebingen Variant Classification Criteria Version 2. Collection method: clinical testing. Allele origin: germline. Affected: yes. Observed: 1 variant allele.
Comment: BSCL2: BP4, BP7

Blueprint Genetics
Classification: Likely benign. Last evaluated: 2023-05-16. Review status: criteria provided, single submitter. Criteria: ACMG Guidelines, 2015. Collection method: clinical testing. Allele origin: germline.